The following is an entry in ClinVar:

ClinVar aggregate classification (germline): Likely benign (1 of 4 stars; one submission).

Submission:

CeGaT Center for Human Genetics Tuebingen
Classification: Likely benign. Last evaluated: 2026-04-01. Review status: criteria provided, single submitter. Criteria: CeGaT Center For Human Genetics Tuebingen Variant Classification Criteria Version 2. Collection method: clinical testing. Allele origin: germline. Affected: yes. Observed: 3 variant alleles.
Comment: PLIN4: BP4, BP7

NM_001367868.2(PLIN4):c.978T>C (p.Ser326=)

Gene: PLIN4 (perilipin 4; minus strand). Cytogenetic location: 19p13.3.
Variant type: single nucleotide variant.
Coding change: c.978T>C on transcript NM_001367868.2 (MANE Select); coding-DNA position 978, T replaced by C.
Protein change: p.Ser326=; no amino-acid change (serine 326 retained).
Molecular consequence: synonymous variant.
Genome position (GRCh38, 1-based): chr19:4,512,982, A>G on the plus strand (T>C on the coding strand, the complement: PLIN4 is on the minus strand). VCF-style: chr19-4512982-A-G. GRCh37 (hg19) VCF-style: chr19-4512994-A-G.
Other names: c.981T>C, p.Ser327= (NM_001393888.1, NM_001393889.1); c.978T>C, p.Ser326= (NM_001393890.1, NM_001393891.1).
Identifiers: ClinVar variation 3388445 (VCV003388445.14).